The following is an entry in ClinVar:

NM_007192.4(SUPT16H):c.832C>T (p.Arg278Cys)

Gene: SUPT16H (SPT16 homolog, facilitates chromatin remodeling subunit; minus strand). Cytogenetic location: 14q11.2.
Variant type: single nucleotide variant.
Coding change: c.832C>T on transcript NM_007192.4 (MANE Select); coding-DNA position 832, C replaced by T.
Protein change: p.Arg278Cys; replaces arginine 278 with cysteine.
Molecular consequence: missense variant.
Genome position (GRCh38, 1-based): chr14:21,368,392, G>A on the plus strand (C>T on the coding strand, the complement: SUPT16H is on the minus strand). VCF-style: chr14-21368392-G-A. GRCh37 (hg19) VCF-style: chr14-21836551-G-A.
Other names: short protein forms R278C.
Identifiers: ClinVar variation 996977 (VCV000996977.1), dbSNP rs1470319697, ClinGen allele CA388869951.
Genomic context (GRCh38, chr14:21,368,392, plus strand): 5'-CTTCTTGAGAAGGATCAACCATCAAAGTGCGAACAAGGTTGGAGCAGTAAGACTTGAAGC[G>A]AATACCCATGGCACAAGTGATAGCCCCAAAGTGCATATGATTCTTGTCACTAGAGACCAA-3'
Protein context (NP_009123.1, residues 268-288): FGAITCAMGI[Arg278Cys]FKSYCSNLVR

ClinVar aggregate classification (germline): Uncertain significance (1 of 4 stars; one submission).

Allele frequency attached by ClinVar (database versions not stated): gnomAD exomes below 0.00001.

Submission:

New York Genome Center
Classification: Uncertain significance. Last evaluated: 2020-07-25. Review status: criteria provided, single submitter. Criteria: NYGC Assertion Criteria 2020. Collection method: clinical testing. Allele origin: germline. Inheritance: Autosomal dominant inheritance. Affected: yes. Observed: 1 heterozygote. Study: CSER-NYCKidSeq.
Comment: The c.832C>T (p.Arg278Cys) variant in exon 7 of 26 of SUPT16H in the conserved Metallopeptidase family M24 domain has been reported once in an individual (de novo) with a diagnosis of autism spectrum disorder [PMID: 27824329]. This variant is not present in gnomAD, suggesting it is not a common benign variant in the populations represented in this database. In silico predictors suggest this variant is Damaging (Provean score:-7.73; SIFT score:0.015). Given the current evidences regarding its pathogenicity, the c.832C>T (p.Arg278Cys) variant identified in the SUPT16H gene is a Variant of Uncertain Significance.